The following is an entry in ClinVar:

ClinVar aggregate classification (germline): Uncertain significance. Review status: criteria provided, multiple submitters, no conflicts (2 of 4 stars). 2 submissions from 2 submitters: Uncertain significance (2). Last evaluated 2024-05-09.

Allele frequency attached by ClinVar (database versions not stated): gnomAD exomes 0.00001; TOPMed 0.00003.
gnomAD v4.1: 12 of 1,613,946 alleles (0.00074%); highest among the groups gnomAD compares: Admixed American, 0.013%; no homozygotes.

Submissions (2):

GeneDx
Classification: Uncertain significance. Last evaluated: 2024-05-09. Review status: criteria provided, single submitter. Criteria: GeneDx Variant Classification Process June 2021. Collection method: clinical testing. Allele origin: germline. Affected: yes.
Comment: In silico analysis indicates that this missense variant does not alter protein structure/function; Has not been previously published as pathogenic or benign to our knowledge

Labcorp Genetics (formerly Invitae), Labcorp
Classification: Uncertain significance. Last evaluated: 2022-03-27. Review status: criteria provided, single submitter. Criteria: Invitae Variant Classification Sherloc (09022015). Collection method: clinical testing. Allele origin: germline.
Comment: This sequence change replaces tryptophan, which is neutral and slightly polar, with cysteine, which is neutral and slightly polar, at codon 250 of the SLC19A2 protein (p.Trp250Cys). This variant is present in population databases (rs74315374, gnomAD 0.02%). This variant has not been reported in the literature in individuals affected with SLC19A2-related conditions. Advanced modeling of protein sequence and biophysical properties (such as structural, functional, and spatial information, amino acid conservation, physicochemical variation, residue mobility, and thermodynamic stability) performed at Invitae indicates that this missense variant is not expected to disrupt SLC19A2 protein function. In summary, the available evidence is currently insufficient to determine the role of this variant in disease. Therefore, it has been classified as a Variant of Uncertain Significance.

NM_006996.3(SLC19A2):c.750G>C (p.Trp250Cys)

Gene: SLC19A2 (solute carrier family 19 member 2; minus strand). Cytogenetic location: 1q24.2.
Variant type: single nucleotide variant.
Coding change: c.750G>C on transcript NM_006996.3 (MANE Select); coding-DNA position 750, G replaced by C.
Protein change: p.Trp250Cys; replaces tryptophan 250 with cysteine.
Molecular consequence: missense variant. On other transcripts: intron variant (1).
Genome position (GRCh38, 1-based): chr1:169,477,212, C>G on the plus strand (G>C on the coding strand, the complement: SLC19A2 is on the minus strand). VCF-style: chr1-169477212-C-G. GRCh37 (hg19) VCF-style: chr1-169446450-C-G.
Other names: c.205-7026G>C (NM_001319667.1); c.750G>C (NM_006996.2); short protein forms W250C.
Identifiers: ClinVar variation 2154103 (VCV002154103.2), dbSNP rs74315374, ClinGen allele CA1233018.